The following is an entry in ClinVar:

NM_000548.5(TSC2):c.4006-19T>G

Gene: TSC2 (TSC complex subunit 2; plus strand). Cytogenetic location: 16p13.3.
Variant type: single nucleotide variant.
Coding change: c.4006-19T>G on transcript NM_000548.5 (MANE Select); 19 bases into the intron before coding-DNA position 4006, T replaced by G.
Molecular consequence: intron variant.
Genome position (GRCh38, 1-based): chr16:2,084,209, T>G. VCF-style: chr16-2084209-T-G. GRCh37 (hg19) VCF-style: chr16-2134210-T-G.
Other names: c.3937-19T>G (NM_001114382.3); c.3877-19T>G (NM_021055.3, NM_001370405.1); c.3808-19T>G (NM_001363528.2); c.3874-19T>G (NM_001370404.1); c.3805-19T>G (NM_001077183.3); c.3697-19T>G (NM_001318827.2); c.3274-19T>G (NM_001318831.2); c.3661-19T>G (NM_001318829.2); and 1 more.
Identifiers: ClinVar variation 516794 (VCV000516794.11), dbSNP rs200900825, ClinGen allele CA050029.

ClinVar aggregate classification (germline): Likely benign. Review status: criteria provided, multiple submitters, no conflicts (2 of 4 stars). 4 submissions from 4 submitters: Likely benign (4). Last evaluated 2025-12-21.

Conditions:
Tuberous sclerosis 2 (TSC2). Identifiers: Orphanet 805, MedGen C1860707, MONDO:0013199, OMIM 613254.
Lymphangiomyomatosis (LAM). Also called: Lymphangioleiomyomatosis; Lymphangioleiomyomatosis, somatic. Identifiers: Orphanet 538, MedGen C0751674, MONDO:0011705, OMIM 606690.
Isolated focal cortical dysplasia type II (FCORD2). Also called: CORTICAL DYSPLASIA OF TAYLOR; Focal cortical dysplasia type II. Identifiers: Orphanet 268994, MedGen C1846385, MONDO:0011818, OMIM 607341, HP:0032051.

Allele frequency attached by ClinVar (database versions not stated): ExAC below 0.00001; gnomAD exomes 0.00001; TOPMed 0.00008; gnomAD 0.00009; 1000 Genomes Project 30x 0.00016; 1000 Genomes Project 0.00020.
gnomAD v4.1: 23 of 1,566,028 alleles (0.0015%); highest among the groups gnomAD compares: African/African-American, 0.029%; no homozygotes.

Submissions (4):

Labcorp Genetics (formerly Invitae), Labcorp
Classification: Likely benign for Tuberous sclerosis 2. Last evaluated: 2025-12-21. Review status: criteria provided, single submitter. Criteria: Invitae Variant Classification Sherloc (09022015). Collection method: clinical testing. Allele origin: germline.

Fulgent Genetics
Classification: Likely benign for Lymphangiomyomatosis; Isolated focal cortical dysplasia type II; Tuberous sclerosis 2. Last evaluated: 2022-01-13. Review status: criteria provided, single submitter. Criteria: ACMG Guidelines, 2015. Collection method: clinical testing. Allele origin: unknown.

Blueprint Genetics
Classification: Likely benign. Last evaluated: 2021-01-07. Review status: criteria provided, single submitter. Criteria: ACMG Guidelines, 2015. Collection method: clinical testing. Allele origin: germline.

GeneDx
Classification: Likely benign. Last evaluated: 2017-12-28. Review status: criteria provided, single submitter. Criteria: GeneDx Variant Classification (06012015). Collection method: clinical testing. Allele origin: germline. Affected: yes.
Comment: This variant is considered likely benign or benign based on one or more of the following criteria: it is a conservative change, it occurs at a poorly conserved position in the protein, it is predicted to be benign by multiple in silico algorithms, and/or has population frequency not consistent with disease.